The following is an entry in ClinVar:

ClinVar aggregate classification (germline): Likely pathogenic (1 of 4 stars; one submission).

Submission:

Labcorp Genetics (formerly Invitae), Labcorp
Classification: Likely pathogenic. Last evaluated: 2023-12-05. Review status: criteria provided, single submitter. Criteria: Invitae Variant Classification Sherloc (09022015). Collection method: clinical testing. Allele origin: germline.
Comment: This variant results in the deletion of part of exon 17 (c.1916_1923+16del) of the POLE gene. It is expected to disrupt RNA splicing. Variants that disrupt the donor or acceptor splice site typically lead to a loss of protein function (PMID: 16199547), and loss-of-function variants in POLE are known to be pathogenic (PMID: 23230001, 25948378, 30503519). This variant is not present in population databases (gnomAD no frequency). This variant has not been reported in the literature in individuals affected with POLE-related conditions. In summary, the currently available evidence indicates that the variant is pathogenic, but additional data are needed to prove that conclusively. Therefore, this variant has been classified as Likely Pathogenic.

Literature cited by the submitters: PubMed 16199547; PubMed 23230001; PubMed 25948378; PubMed 30503519.

NM_006231.4(POLE):c.1916_1923+16del

Gene: POLE (DNA polymerase epsilon, catalytic subunit; minus strand). Cytogenetic location: 12q24.33.
Variant type: Deletion.
Coding change: c.1916_1923+16del on transcript NM_006231.4 (MANE Select); coding-DNA position 1916 through 16 bases into the intron after coding-DNA position 1923, 24 bases deleted (GCCTGCAGGTGAGACTTTACTTCC).
Molecular consequence: splice donor variant.
Genome position (GRCh38, 1-based): chr12:132,668,795-132,668,818, GGAAGTAAAGTCTCACCTGCAGGC deleted on the plus strand (GCCTGCAGGTGAGACTTTACTTCC on the coding strand, the reverse complement: POLE is on the minus strand); deleting any 24 consecutive bases within chr12:132,668,795-132,668,820 gives the same sequence; the c. name uses the placement nearest the transcript's 3' end. VCF-style (leftmost placement, unchanged base first): chr12-132668794-GGGAAGTAAAGTCTCACCTGCAGGC-G. GRCh37 (hg19) VCF-style: chr12-133245380-GGGAAGTAAAGTCTCACCTGCAGGC-G.
Identifiers: ClinVar variation 2700975 (VCV002700975.3), dbSNP rs2542103356, ClinGen allele CA2697551642.